The following is an entry in ClinVar:

ClinVar aggregate classification (germline): Likely benign. Review status: criteria provided, multiple submitters, no conflicts (2 of 4 stars). 4 submissions from 4 submitters: Likely benign (4). Last evaluated 2025-11-28.

Conditions:
Developmental and epileptic encephalopathy, 42 (DEE42A). Also called: DEVELOPMENTAL AND EPILEPTIC ENCEPHALOPATHY 42A; EPILEPTIC ENCEPHALOPATHY, EARLY INFANTILE, 42A; Epileptic encephalopathy, early infantile, 42. Identifiers: MedGen C4310716, MONDO:0014917, OMIM 617106.
Episodic ataxia type 2 (EA2). Also called: ATAXIA, EPISODIC, WITH NYSTAGMUS; ATAXIA, FAMILIAL PAROXYSMAL; CEREBELLAR ATAXIA, PAROXYSMAL, ACETAZOLAMIDE-RESPONSIVE; CEREBELLOPATHY, HEREDITARY PAROXYSMAL; ACETAZOLAMIDE-RESPONSIVE HEREDITARY PAROXYSMAL CEREBELLAR ATAXIA; EPISODIC ATAXIA, NYSTAGMUS-ASSOCIATED. Identifiers: Orphanet 97, MedGen C1720416, MONDO:0007163, OMIM 108500.

Allele frequency attached by ClinVar (database versions not stated): ExAC 0.00005; gnomAD exomes 0.00005; gnomAD 0.00006; TOPMed 0.00010.
gnomAD v4.1: 56 of 1,550,078 alleles (0.0036%); highest among the groups gnomAD compares: Admixed American, 0.012%; no homozygotes.

Submissions (4):

Labcorp Genetics (formerly Invitae), Labcorp
Classification: Likely benign for Developmental and epileptic encephalopathy, 42; Episodic ataxia type 2. Last evaluated: 2025-11-28. Review status: criteria provided, single submitter. Criteria: Invitae Variant Classification Sherloc (09022015). Collection method: clinical testing. Allele origin: germline.

CeGaT Center for Human Genetics Tuebingen
Classification: Likely benign. Last evaluated: 2024-06-01. Review status: criteria provided, single submitter. Criteria: CeGaT Center For Human Genetics Tuebingen Variant Classification Criteria Version 2. Collection method: clinical testing. Allele origin: germline. Affected: yes. Observed: 2 variant alleles.
Comment: CACNA1A: BP4, BP7

Blueprint Genetics
Classification: Likely benign. Last evaluated: 2024-03-14. Review status: criteria provided, single submitter. Criteria: ACMG Guidelines, 2015. Collection method: clinical testing. Allele origin: germline.

GeneDx
Classification: Likely benign. Last evaluated: 2019-10-18. Review status: criteria provided, single submitter. Criteria: GeneDx Variant Classification Process June 2021. Collection method: clinical testing. Allele origin: germline. Affected: yes.

NM_001127222.2(CACNA1A):c.3489C>T (p.Pro1163=)

Gene: CACNA1A (calcium voltage-gated channel subunit alpha1 A; minus strand). Cytogenetic location: 19p13.13.
Variant type: single nucleotide variant.
Coding change: c.3489C>T on transcript NM_001127222.2 (MANE Select); coding-DNA position 3489, C replaced by T.
Protein change: p.Pro1163=; no amino-acid change (proline 1163 retained).
Molecular consequence: synonymous variant.
Genome position (GRCh38, 1-based): chr19:13,286,567, G>A on the plus strand (C>T on the coding strand, the complement: CACNA1A is on the minus strand). VCF-style: chr19-13286567-G-A. GRCh37 (hg19) VCF-style: chr19-13397381-G-A.
Other names: c.3501C>T, p.Pro1167= (NM_000068.4, NM_023035.3); c.3492C>T, p.Pro1164= (NM_001127221.2, NM_001174080.2).
Identifiers: ClinVar variation 390106 (VCV000390106.38), dbSNP rs771567638, ClinGen allele CA9240308.